The following is an entry in ClinVar:

ClinVar aggregate classification (germline): Likely benign. Review status: criteria provided, multiple submitters, no conflicts (2 of 4 stars). 2 submissions from 2 submitters: Likely benign (2). Last evaluated 2023-12-12.

Conditions:
Glycogen storage disease due to muscle and heart glycogen synthase deficiency. Also called: MUSCLE GLYCOGEN SYNTHASE DEFICIENCY; GSD 0b. Identifiers: Orphanet 137625, MedGen C1969054, MONDO:0012693, OMIM 611556.

Allele frequency attached by ClinVar (database versions not stated): gnomAD 0.00001 and 0.00002; gnomAD exomes 0.00001 and 0.00002; TOPMed 0.00002; ExAC 0.00003.

Submissions (2):

Labcorp Genetics (formerly Invitae), Labcorp
Classification: Likely benign for Glycogen storage disease due to muscle and heart glycogen synthase deficiency. Last evaluated: 2023-12-12. Review status: criteria provided, single submitter. Criteria: Invitae Variant Classification Sherloc (09022015). Collection method: clinical testing. Allele origin: germline.

GeneDx
Classification: Likely benign. Last evaluated: 2017-09-26. Review status: criteria provided, single submitter. Criteria: GeneDx Variant Classification (06012015). Collection method: clinical testing. Allele origin: germline. Affected: yes.
Comment: This variant is considered likely benign or benign based on one or more of the following criteria: it is a conservative change, it occurs at a poorly conserved position in the protein, it is predicted to be benign by multiple in silico algorithms, and/or has population frequency not consistent with disease.

NM_002103.5(GYS1):c.679-16del

Gene: GYS1 (glycogen synthase 1; minus strand). Cytogenetic location: 19q13.33.
Variant type: Deletion.
Coding change: c.679-16del on transcript NM_002103.5 (MANE Select); 16 bases into the intron before coding-DNA position 679, one base deleted (G; older notation c.679-16delG).
Molecular consequence: intron variant.
Genome position (GRCh38, 1-based): chr19:48,985,621, C deleted on the plus strand (G on the coding strand, the reverse complement: GYS1 is on the minus strand). VCF-style (leftmost placement, unchanged base first): chr19-48985620-AC-A. GRCh37 (hg19) VCF-style: chr19-49488877-AC-A.
Other names: c.487-16del (NM_001161587.2).
Identifiers: ClinVar variation 512041 (VCV000512041.4), dbSNP rs755898154, ClinGen allele CA9563252.